The following is an entry in ClinVar:

NM_000199.5(SGSH):c.1186T>C (p.Phe396Leu)

Gene: SGSH (N-sulfoglucosamine sulfohydrolase; minus strand). Cytogenetic location: 17q25.3.
Variant type: single nucleotide variant.
Coding change: c.1186T>C on transcript NM_000199.5 (MANE Select); coding-DNA position 1186, T replaced by C.
Protein change: p.Phe396Leu; replaces phenylalanine 396 with leucine.
Molecular consequence: missense variant. On other transcripts: 3 prime UTR variant (2), non-coding transcript variant (1).
Genome position (GRCh38, 1-based): chr17:80,210,775, A>G on the plus strand (T>C on the coding strand, the complement: SGSH is on the minus strand). VCF-style: chr17-80210775-A-G. GRCh37 (hg19) VCF-style: chr17-78184574-A-G.
Other names: c.1186T>C (NM_000199.3); c.*273T>C (NM_001352921.3); c.*236T>C (NM_001352922.2); short protein forms F396L.
Identifiers: ClinVar variation 2422041 (VCV002422041.8), dbSNP rs775569624, ClinGen allele CA8817652.

ClinVar aggregate classification (germline): Conflicting classifications of pathogenicity. Review status: criteria provided, conflicting classifications (1 of 4 stars). 3 submissions from 3 submitters: Likely pathogenic (2); Uncertain significance (1). Last evaluated 2025-08-31.

Conditions:
Inborn genetic diseases. Identifiers: MedGen C0950123, MeSH D030342.
SGSH-related disorder. Also called: SGSH-related condition.
Mucopolysaccharidosis, MPS-III-A (MPS3A). Also called: HEPARAN SULFATE SULFATASE DEFICIENCY; SANFILIPPO SYNDROME A; SULFAMIDASE DEFICIENCY; MUCOPOLYSACCHARIDOSIS, TYPE IIIA, ATTENUATED; Mucopolysaccharidosis, type IIIA; mucopolysaccharidosis type 3A. Identifiers: Orphanet 581, Orphanet 79269, MedGen C0086647, MONDO:0009655, OMIM 252900.

Allele frequency attached by ClinVar (database versions not stated): gnomAD exomes below 0.00001; ExAC 0.00001.
gnomAD v4.1: 1 of 1,614,028 alleles (0.000062%); no homozygotes.

Submissions (3):

Ambry Genetics
Classification: Uncertain significance for Inborn genetic diseases. Last evaluated: 2025-08-31. Review status: criteria provided, single submitter. Criteria: Ambry Variant Classification Scheme 2023. Collection method: clinical testing. Allele origin: germline.

Labcorp Genetics (formerly Invitae), Labcorp
Classification: Likely pathogenic for Mucopolysaccharidosis, MPS-III-A. Last evaluated: 2024-03-13. Review status: criteria provided, single submitter. Criteria: Invitae Variant Classification Sherloc (09022015). Collection method: clinical testing. Allele origin: germline.
Comment: This sequence change replaces phenylalanine, which is neutral and non-polar, with leucine, which is neutral and non-polar, at codon 396 of the SGSH protein (p.Phe396Leu). This variant is present in population databases (rs775569624, gnomAD 0.01%). This missense change has been observed in individual(s) with clinical features of mucopolysaccharidosis type III (Invitae; external communication). In at least one individual the data is consistent with being in trans (on the opposite chromosome) from a pathogenic variant. It has also been observed to segregate with disease in related individuals. ClinVar contains an entry for this variant (Variation ID: 2422041). Advanced modeling of protein sequence and biophysical properties (such as structural, functional, and spatial information, amino acid conservation, physicochemical variation, residue mobility, and thermodynamic stability) has been performed at Invitae for this missense variant, however the output from this modeling did not meet the statistical confidence thresholds required to predict the impact of this variant on SGSH protein function. In summary, the currently available evidence indicates that the variant is pathogenic, but additional data are needed to prove that conclusively. Therefore, this variant has been classified as Likely Pathogenic.

Blueprint Genetics
Classification: Likely pathogenic for SGSH-related disorders. Last evaluated: 2022-01-27. Review status: criteria provided, single submitter. Criteria: ACMG Guidelines, 2015. Collection method: clinical testing. Allele origin: germline. Affected: yes. Observed: 1 variant allele.